The following is an entry in ClinVar:

ClinVar aggregate classification (germline): Uncertain significance. Review status: criteria provided, multiple submitters, no conflicts (2 of 4 stars). 3 submissions from 2 submitters: Uncertain significance (3). Last evaluated 2022-07-19.

Conditions:
Mandibuloacral dysplasia with type B lipodystrophy (MADB). Also called: LIPODYSTROPHY, TYPE B, ASSOCIATED WITH MANDIBULOACRAL DYSPLASIA. Identifiers: Orphanet 2457, Orphanet 90154, MedGen C1837756, MONDO:0012074, OMIM 608612.
Lethal tight skin contracture syndrome. Also called: RESTRICTIVE DERMOPATHY, LETHAL; FETAL HYPOKINESIA SEQUENCE DUE TO RESTRICTIVE DERMOPATHY; HYPERKERATOSIS-CONTRACTURE SYNDROME; Restrictive dermopathy. Identifiers: Orphanet 1662, MedGen C0406585, MONDO:0031213.

Allele frequency attached by ClinVar (database versions not stated): gnomAD 0.00001 and 0.00004; TOPMed 0.00003; gnomAD exomes 0.00009 and 0.00017; ExAC 0.00019; 1000 Genomes Project 30x 0.00031; 1000 Genomes Project 0.00040.
gnomAD v4.1: 145 of 1,614,002 alleles (0.009%); highest among the groups gnomAD compares: South Asian, 0.11%; 2 homozygotes.

Submissions (3):

Labcorp Genetics (formerly Invitae), Labcorp
Classification: Uncertain significance. Last evaluated: 2022-07-19. Review status: criteria provided, single submitter. Criteria: Invitae Variant Classification Sherloc (09022015). Collection method: clinical testing. Allele origin: germline.
Comment: This sequence change replaces glycine, which is neutral and non-polar, with glutamic acid, which is acidic and polar, at codon 343 of the ZMPSTE24 protein (p.Gly343Glu). This variant is present in population databases (rs554224406, gnomAD 0.1%). This variant has not been reported in the literature in individuals affected with ZMPSTE24-related conditions. ClinVar contains an entry for this variant (Variation ID: 875107). Algorithms developed to predict the effect of missense changes on protein structure and function are either unavailable or do not agree on the potential impact of this missense change (SIFT: "Not Available"; PolyPhen-2: "Benign"; Align-GVGD: "Not Available"). In summary, the available evidence is currently insufficient to determine the role of this variant in disease. Therefore, it has been classified as a Variant of Uncertain Significance.

Illumina Laboratory Services, Illumina
Classification: Uncertain significance for Restrictive dermopathy 1. Last evaluated: 2018-03-30. Review status: criteria provided, single submitter. Criteria: ICSL Variant Classification Criteria 13 December 2019. Collection method: clinical testing. Allele origin: germline.

Illumina Laboratory Services, Illumina
Classification: Uncertain significance for Mandibuloacral dysplasia with type B lipodystrophy. Last evaluated: 2018-03-30. Review status: criteria provided, single submitter. Criteria: ICSL Variant Classification Criteria 13 December 2019. Collection method: clinical testing. Allele origin: germline.

NM_005857.5(ZMPSTE24):c.1028G>A (p.Gly343Glu)

Gene: ZMPSTE24 (zinc metallopeptidase STE24; plus strand). Cytogenetic location: 1p34.2.
Variant type: single nucleotide variant.
Coding change: c.1028G>A on transcript NM_005857.5 (MANE Select); coding-DNA position 1028, G replaced by A.
Protein change: p.Gly343Glu; replaces glycine 343 with glutamic acid.
Molecular consequence: missense variant.
Genome position (GRCh38, 1-based): chr1:40,285,998, G>A. VCF-style: chr1-40285998-G-A. GRCh37 (hg19) VCF-style: chr1-40751670-G-A.
Other names: short protein forms G343E.
Identifiers: ClinVar variation 875107 (VCV000875107.6), dbSNP rs554224406, ClinGen allele CA791141.
Genomic context (GRCh38, chr1:40,285,998, plus strand): 5'-GATGTAAAAATGAGGAGGTACTCGCTGTACTAGGCCATGAACTGGGGCACTGGAAGTTGG[G>A]ACATACAGTCAAAAATATCATTATTAGCCAGGTAAGTGTGGAGTGACAATTCTTTTTTTA-3'
Protein context (NP_005848.2, residues 333-353): LGHELGHWKL[Gly343Glu]HTVKNIIISQ